The following is an entry in ClinVar:

ClinVar aggregate classification (germline): Uncertain significance (1 of 4 stars; one submission).

Conditions:
MHC class II deficiency. Also called: Bare lymphocyte syndrome 2; BLS, TYPE II. Identifiers: Orphanet 572, MedGen C5447452, MONDO:0008855.

Allele frequency attached by ClinVar (database versions not stated): gnomAD exomes 0.00003 and 0.00010; TOPMed 0.00005; ExAC 0.00007; gnomAD 0.00002.

Submission:

Labcorp Genetics (formerly Invitae), Labcorp
Classification: Uncertain significance for MHC class II deficiency. Last evaluated: 2024-11-18. Review status: criteria provided, single submitter. Criteria: Invitae Variant Classification Sherloc (09022015). Collection method: clinical testing. Allele origin: germline.
Comment: This sequence change replaces arginine, which is basic and polar, with glutamine, which is neutral and polar, at codon 214 of the RFX5 protein (p.Arg214Gln). This variant is present in population databases (rs774928260, gnomAD 0.05%). This variant has not been reported in the literature in individuals affected with RFX5-related conditions. ClinVar contains an entry for this variant (Variation ID: 1003874). An algorithm developed to predict the effect of missense changes on protein structure and function (PolyPhen-2) suggests that this variant is likely to be disruptive. In summary, the available evidence is currently insufficient to determine the role of this variant in disease. Therefore, it has been classified as a Variant of Uncertain Significance.

NM_001025603.2(RFX5):c.641G>A (p.Arg214Gln)

Gene: RFX5 (regulatory factor X5; minus strand). Cytogenetic location: 1q21.3.
Variant type: single nucleotide variant.
Coding change: c.641G>A on transcript NM_001025603.2 (MANE Select); coding-DNA position 641, G replaced by A.
Protein change: p.Arg214Gln; replaces arginine 214 with glutamine.
Molecular consequence: missense variant.
Genome position (GRCh38, 1-based): chr1:151,343,797, C>T on the plus strand (G>A on the coding strand, the complement: RFX5 is on the minus strand). VCF-style: chr1-151343797-C-T. GRCh37 (hg19) VCF-style: chr1-151316273-C-T.
Other names: c.641G>A, p.Arg214Gln (NM_000449.4, NM_001379412.1, NM_001379413.1 and 5 more transcripts); c.521G>A, p.Arg174Gln (NM_001379419.1, NM_001379420.1); short protein forms R174Q, R214Q.
Identifiers: ClinVar variation 1003874 (VCV001003874.7), dbSNP rs774928260, ClinGen allele CA1089784.